The following is an entry in ClinVar:

ClinVar aggregate classification (germline): Uncertain significance. Review status: criteria provided, multiple submitters, no conflicts (2 of 4 stars). 2 submissions from 2 submitters: Uncertain significance (2). Last evaluated 2022-04-28.

Conditions:
Emery-Dreifuss muscular dystrophy 4, autosomal dominant (EDMD4). Also called: EMERY-DREIFUSS MUSCULAR DYSTROPHY 4 WITH VARIABLE FEATURES. Identifiers: Orphanet 261, MedGen C2751807, MONDO:0013071, OMIM 612998.
Autosomal recessive ataxia, Beauce type. Also called: ATAXIA, RECESSIVE, OF BEAUCE; SYNE1 Deficiency; Spinocerebellar ataxia, autosomal recessive 8; SYNE1-Related Autosomal Recessive Cerebellar Ataxia. Identifiers: Orphanet 88644, MedGen C1853116, MONDO:0012549, OMIM 610743.

Allele frequency attached by ClinVar (database versions not stated): ExAC 0.00001; gnomAD exomes 0.00001; TOPMed 0.00001.
gnomAD v4.1: 18 of 1,614,038 alleles (0.0011%); highest among the groups gnomAD compares: African/African-American, 0.004%; no homozygotes.

Submissions (2):

Athena Diagnostics
Classification: Uncertain significance. Last evaluated: 2022-04-28. Review status: criteria provided, single submitter. Criteria: Athena Diagnostics Criteria. Collection method: clinical testing. Allele origin: unknown.

Labcorp Genetics (formerly Invitae), Labcorp
Classification: Uncertain significance for Emery-Dreifuss muscular dystrophy 4, autosomal dominant; Autosomal recessive ataxia, Beauce type. Last evaluated: 2021-10-13. Review status: criteria provided, single submitter. Criteria: Invitae Variant Classification Sherloc (09022015). Collection method: clinical testing. Allele origin: germline.
Comment: This sequence change replaces isoleucine with threonine at codon 3894 of the SYNE1 protein (p.Ile3894Thr). The isoleucine residue is weakly conserved and there is a moderate physicochemical difference between isoleucine and threonine. This variant is present in population databases (rs772794050, ExAC 0.001%). This variant has not been reported in the literature in individuals affected with SYNE1-related conditions. Algorithms developed to predict the effect of missense changes on protein structure and function output the following: SIFT: "Tolerated"; PolyPhen-2: "Benign"; Align-GVGD: "Class C0". The threonine amino acid residue is found in multiple mammalian species, which suggests that this missense change does not adversely affect protein function. In summary, the available evidence is currently insufficient to determine the role of this variant in disease. Therefore, it has been classified as a Variant of Uncertain Significance.

NM_182961.4(SYNE1):c.11726T>C (p.Ile3909Thr)

Gene: SYNE1 (spectrin repeat containing nuclear envelope protein 1; minus strand). Cytogenetic location: 6q25.2.
Variant type: single nucleotide variant.
Coding change: c.11726T>C on transcript NM_182961.4 (MANE Select); coding-DNA position 11726, T replaced by C.
Protein change: p.Ile3909Thr; replaces isoleucine 3909 with threonine.
Molecular consequence: missense variant.
Genome position (GRCh38, 1-based): chr6:152,350,625, A>G on the plus strand (T>C on the coding strand, the complement: SYNE1 is on the minus strand). VCF-style: chr6-152350625-A-G. GRCh37 (hg19) VCF-style: chr6-152671760-A-G.
Other names: c.11681T>C, p.Ile3894Thr (NM_033071.5); short protein forms I3894T, I3909T.
Identifiers: ClinVar variation 857910 (VCV000857910.6), dbSNP rs772794050, ClinGen allele CA4056615.